The following is an entry in ClinVar:

NM_198578.4(LRRK2):c.5761C>A (p.Leu1921Ile)

Gene: LRRK2 (leucine rich repeat kinase 2; plus strand). Cytogenetic location: 12q12.
Variant type: single nucleotide variant.
Coding change: c.5761C>A on transcript NM_198578.4 (MANE Select); coding-DNA position 5761, C replaced by A.
Protein change: p.Leu1921Ile; replaces leucine 1921 with isoleucine.
Molecular consequence: missense variant.
Genome position (GRCh38, 1-based): chr12:40,334,970, C>A. VCF-style: chr12-40334970-C-A. GRCh37 (hg19) VCF-style: chr12-40728772-C-A.
Other names: short protein forms L1921I.
Identifiers: ClinVar variation 1749489 (VCV001749489.2), dbSNP rs2499929969, ClinGen allele CA384401831.
Genomic context (GRCh38, chr12:40,334,970, plus strand): 5'-GATACGTGGGTAAAACCTGATGTTGAATTACTCTTACATGATTTTGGACTTTTGCAGGAG[C>A]TTGTGGTGCTTTGCCACCTCCACCACCCCAGTTTGATATCTTTGCTGGCAGCTGGGATTC-3'
Protein context (NP_940980.4, residues 1911-1931): HTSLRLLRQE[Leu1921Ile]VVLCHLHHPS

ClinVar aggregate classification (germline): Uncertain significance (1 of 4 stars; one submission).

Conditions:
Inborn genetic diseases. Identifiers: MedGen C0950123, MeSH D030342.

Submission:

Ambry Genetics
Classification: Uncertain significance for Inborn genetic diseases. Last evaluated: 2021-09-02. Review status: criteria provided, single submitter. Criteria: Ambry Variant Classification Scheme 2023. Collection method: clinical testing. Allele origin: germline.
Comment: The p.L1921I variant (also known as c.5761C>A), located in coding exon 40 of the LRRK2 gene, results from a C to A substitution at nucleotide position 5761. The leucine at codon 1921 is replaced by isoleucine, an amino acid with highly similar properties. This amino acid position is conserved. In addition, this alteration is predicted to be tolerated by in silico analysis. Since supporting evidence is limited at this time, the clinical significance of this alteration remains unclear.